The following is an entry in ClinVar:

ClinVar aggregate classification (germline): Uncertain significance (1 of 4 stars; one submission).

Allele frequency attached by ClinVar (database versions not stated): gnomAD exomes 0.00001.
gnomAD v4.1: 5 of 1,602,494 alleles (0.00031%); highest among the groups gnomAD compares: Admixed American, 0.0086%; no homozygotes.

Submission:

Labcorp Genetics (formerly Invitae), Labcorp
Classification: Uncertain significance. Last evaluated: 2024-10-22. Review status: criteria provided, single submitter. Criteria: Invitae Variant Classification Sherloc (09022015). Collection method: clinical testing. Allele origin: germline.
Comment: This sequence change replaces asparagine, which is neutral and polar, with lysine, which is basic and polar, at codon 3331 of the HERC1 protein (p.Asn3331Lys). This variant is present in population databases (no rsID available, gnomAD 0.01%). This variant has not been reported in the literature in individuals affected with HERC1-related conditions. ClinVar contains an entry for this variant (Variation ID: 1907139). Invitae Evidence Modeling of protein sequence and biophysical properties (such as structural, functional, and spatial information, amino acid conservation, physicochemical variation, residue mobility, and thermodynamic stability) indicates that this missense variant is expected to disrupt HERC1 protein function with a positive predictive value of 80%. In summary, the available evidence is currently insufficient to determine the role of this variant in disease. Therefore, it has been classified as a Variant of Uncertain Significance.

NM_003922.4(HERC1):c.9993C>G (p.Asn3331Lys)

Gene: HERC1 (HECT and RLD domain containing E3 ubiquitin protein ligase family member 1; minus strand). Cytogenetic location: 15q22.31.
Variant type: single nucleotide variant.
Coding change: c.9993C>G on transcript NM_003922.4 (MANE Select); coding-DNA position 9993, C replaced by G.
Protein change: p.Asn3331Lys; replaces asparagine 3331 with lysine.
Molecular consequence: missense variant.
Genome position (GRCh38, 1-based): chr15:63,655,833, G>C on the plus strand (C>G on the coding strand, the complement: HERC1 is on the minus strand). VCF-style: chr15-63655833-G-C. GRCh37 (hg19) VCF-style: chr15-63948032-G-C.
Other names: short protein forms N3331K.
Identifiers: ClinVar variation 1907139 (VCV001907139.5), dbSNP rs1307226680, ClinGen allele CA392756587.